The following is an entry in ClinVar:

ClinVar aggregate classification (germline): Pathogenic. Review status: criteria provided, multiple submitters, no conflicts (2 of 4 stars). 3 submissions from 3 submitters: Pathogenic (3). Last evaluated 2024-01-15.

Conditions:
Duchenne muscular dystrophy (DMD). Also called: MUSCULAR DYSTROPHY, PSEUDOHYPERTROPHIC PROGRESSIVE, DUCHENNE TYPE; Duchenne Muscular Dystrophy (DMD). Identifiers: Orphanet 98896, MedGen C0013264, MONDO:0010679, OMIM 310200.

Submissions (3):

Labcorp Genetics (formerly Invitae), Labcorp
Classification: Pathogenic for Duchenne muscular dystrophy. Last evaluated: 2024-01-15. Review status: criteria provided, single submitter. Criteria: Invitae Variant Classification Sherloc (09022015). Collection method: clinical testing. Allele origin: germline.
Comment: This sequence change creates a premature translational stop signal (p.Gln2831*) in the DMD gene. It is expected to result in an absent or disrupted protein product. Loss-of-function variants in DMD are known to be pathogenic (PMID: 16770791, 25007885). This variant is not present in population databases (gnomAD no frequency). This premature translational stop signal has been observed in individual(s) with Duchenne muscular dystrophy (PMID: 19937601). ClinVar contains an entry for this variant (Variation ID: 1071900). Algorithms developed to predict the effect of sequence changes on RNA splicing suggest that this variant may disrupt the consensus splice site. For these reasons, this variant has been classified as Pathogenic.

GeneDx
Classification: Pathogenic. Last evaluated: 2022-08-10. Review status: criteria provided, single submitter. Criteria: GeneDx Variant Classification Process June 2021. Collection method: clinical testing. Allele origin: germline. Affected: yes.
Comment: Nonsense variant predicted to result in protein truncation or nonsense mediated decay in a gene for which loss-of-function is a known mechanism of disease; Based on the understanding of this genetic alteration, it may be amenable to nonsense read-through therapy that is currently available or in clinical trial; Not observed at significant frequency in large population cohorts (gnomAD); This variant is associated with the following publications: (PMID: 25525159, 19937601)

Revvity Omics, Revvity
Classification: Pathogenic. Last evaluated: 2021-11-22. Review status: criteria provided, single submitter. Criteria: ACMG Guidelines, 2015. Collection method: clinical testing. Allele origin: germline.

Literature cited by the submitters: PubMed 16770791 (cited by Labcorp Genetics (formerly Invitae), Labcorp); PubMed 25007885 (cited by Labcorp Genetics (formerly Invitae), Labcorp); PubMed 19937601 (cited by Labcorp Genetics (formerly Invitae), Labcorp).

NM_004006.3(DMD):c.8491C>T (p.Gln2831Ter)

Gene: DMD (dystrophin; minus strand). Cytogenetic location: Xp21.2.
Variant type: single nucleotide variant.
Coding change: c.8491C>T on transcript NM_004006.3 (MANE Select); coding-DNA position 8491, C replaced by T.
Protein change: p.Gln2831Ter; replaces glutamine 2831 with a stop codon.
Molecular consequence: nonsense.
Genome position (GRCh38, 1-based): chrX:31,496,844, G>A on the plus strand (C>T on the coding strand, the complement: DMD is on the minus strand). VCF-style: chrX-31496844-G-A. GRCh37 (hg19) VCF-style: chrX-31514961-G-A.
Other names: c.8467C>T, p.Gln2823Ter (NM_000109.4); c.8479C>T, p.Gln2827Ter (NM_004009.3); c.8122C>T, p.Gln2708Ter (NM_004010.3); c.4468C>T, p.Gln1490Ter (NM_004011.4); c.4459C>T, p.Gln1487Ter (NM_004012.4); c.1111C>T, p.Gln371Ter (NM_004013.3, NM_004020.4, NM_004021.3 and 2 more transcripts); c.304C>T, p.Gln102Ter (NM_004014.3); short protein forms Q102*, Q1487*, Q1490*, Q2708*, Q2823*, Q2827*, Q2831*, Q371*.
Identifiers: ClinVar variation 1071900 (VCV001071900.13), dbSNP rs753225356, ClinGen allele CA412655474.
Genomic context (GRCh38, chrX:31,496,844, plus strand): 5'-CTACCCTATGTACATCGTTCTGCTTCTGAACTGCTGGAAAGTCGCCTCCAATAGGTGCCT[G>A]CCGGCTTAATTCATCATCTTTCAGCTGTAGCCACACCAGAAGTTCCTGCAGAGAAAGGTG-3'